The following is an entry in ClinVar:

NM_001163678.2(SHOX2):c.852C>G (p.Ala284=)

Genes: SHOX2 (SHOX homeobox 2; minus strand), LOC129937819 (ATAC-STARR-seq lymphoblastoid active region 20743; plus strand). Cytogenetic location: 3q25.32.
Variant type: single nucleotide variant.
Coding change: c.852C>G on transcript NM_001163678.2 (MANE Select); coding-DNA position 852, C replaced by G.
Protein change: p.Ala284=; no amino-acid change (alanine 284 retained).
Molecular consequence: synonymous variant.
Genome position (GRCh38, 1-based): chr3:158,098,135, G>C on the plus strand (C>G on the coding strand, the complement: SHOX2 is on the minus strand). VCF-style: chr3-158098135-G-C. GRCh37 (hg19) VCF-style: chr3-157815924-G-C.
Other names: c.960C>G, p.Ala320= (NM_003030.4); c.888C>G, p.Ala296= (NM_006884.3).
Identifiers: ClinVar variation 2654254 (VCV002654254.24), dbSNP rs552279655, ClinGen allele CA2681151.

ClinVar aggregate classification (germline): Likely benign (1 of 4 stars; one submission).

Allele frequency attached by ClinVar (database versions not stated): ExAC 0.00117; 1000 Genomes Project 30x 0.00312; 1000 Genomes Project 0.00359.
gnomAD v4.1: 1,000 of 1,613,368 alleles (0.062%); highest among the groups gnomAD compares: East Asian, 0.83%; 11 homozygotes.

Submission:

CeGaT Center for Human Genetics Tuebingen
Classification: Likely benign. Last evaluated: 2023-03-01. Review status: criteria provided, single submitter. Criteria: CeGaT Center For Human Genetics Tuebingen Variant Classification Criteria Version 2. Collection method: clinical testing. Allele origin: germline. Affected: yes. Observed: 1 variant allele.
Comment: SHOX2: BP4, BP7, BS2